The following is an entry in ClinVar:

ClinVar aggregate classification (germline): Likely benign (1 of 4 stars; one submission).

Allele frequency attached by ClinVar (database versions not stated): gnomAD exomes below 0.00001.
gnomAD v4.1: 2 of 1,614,146 alleles (0.00012%); highest among the groups gnomAD compares: Non-Finnish European, 0.00017%; no homozygotes.

Submission:

CeGaT Center for Human Genetics Tuebingen
Classification: Likely benign. Last evaluated: 2024-06-01. Review status: criteria provided, single submitter. Criteria: CeGaT Center For Human Genetics Tuebingen Variant Classification Criteria Version 2. Collection method: clinical testing. Allele origin: germline. Affected: yes. Observed: 1 variant allele.
Comment: CYFIP2: BP4, BP7

NM_001037333.3(CYFIP2):c.1398G>A (p.Arg466=)

Gene: CYFIP2 (cytoplasmic FMR1 interacting protein 2; plus strand). Cytogenetic location: 5q33.3.
Variant type: single nucleotide variant.
Coding change: c.1398G>A on transcript NM_001037333.3 (MANE Select); coding-DNA position 1398, G replaced by A.
Protein change: p.Arg466=; no amino-acid change (arginine 466 retained).
Molecular consequence: synonymous variant.
Genome position (GRCh38, 1-based): chr5:157,319,803, G>A. VCF-style: chr5-157319803-G-A. GRCh37 (hg19) VCF-style: chr5-156746811-G-A.
Other names: c.1320G>A, p.Arg440= (NM_001291721.2); c.1398G>A, p.Arg466= (NM_001291722.2, NM_014376.4).
Identifiers: ClinVar variation 3250961 (VCV003250961.18), dbSNP rs1348559983.